The following is an entry in ClinVar:

NM_001126108.2(SLC12A3):c.1924C>G (p.Arg642Gly)

Gene: SLC12A3 (solute carrier family 12 member 3; plus strand). Cytogenetic location: 16q13.
Variant type: single nucleotide variant.
Coding change: c.1924C>G on transcript NM_001126108.2 (MANE Select); coding-DNA position 1924, C replaced by G.
Protein change: p.Arg642Gly; replaces arginine 642 with glycine.
Molecular consequence: missense variant.
Genome position (GRCh38, 1-based): chr16:56,885,363, C>G. VCF-style: chr16-56885363-C-G. GRCh37 (hg19) VCF-style: chr16-56919275-C-G.
Other names: c.[1924C>G] (NM_000339.2); c.1924C>G, p.Arg642Gly (NM_000339.3); c.1921C>G, p.Arg641Gly (NM_001126107.2); short protein forms R642G, R641G.
Identifiers: ClinVar variation 397523 (VCV000397523.41), dbSNP rs200697179, ClinGen allele CA8069650.

ClinVar aggregate classification (germline): Pathogenic/Likely pathogenic. Review status: criteria provided, multiple submitters, no conflicts (2 of 4 stars). 11 submissions from 11 submitters: Pathogenic (10); Likely pathogenic (1). Last evaluated 2026-02-01.

Conditions:
Familial hypokalemia-hypomagnesemia (GTLMNS). Also called: gitelman syndrome; POTASSIUM AND MAGNESIUM DEPLETION; HYPOMAGNESEMIA-HYPOKALEMIA, PRIMARY RENOTUBULAR, WITH HYPOCALCIURIA. Identifiers: Orphanet 358, MedGen C0268450, MONDO:0009904, OMIM 263800.
SLC12A3-related disorder. Also called: SLC12A3-related condition.

Allele frequency attached by ClinVar (database versions not stated): TOPMed 0.00025.
gnomAD v4.1: 67 of 1,546,070 alleles (0.0043%); highest among the groups gnomAD compares: Non-Finnish European, 0.0045%; no homozygotes.

Submissions (11):

Labcorp Genetics (formerly Invitae), Labcorp
Classification: Pathogenic. Last evaluated: 2026-02-01. Review status: criteria provided, single submitter. Criteria: Invitae Variant Classification Sherloc (09022015). Collection method: clinical testing. Allele origin: germline.
Comment: This sequence change replaces arginine, which is basic and polar, with glycine, which is neutral and non-polar, at codon 642 of the SLC12A3 protein (p.Arg642Gly). This variant is present in population databases (rs200697179, gnomAD 0.007%). This missense change has been observed in individual(s) with Gitelman syndrome (PMID: 11408395, 12112667, 25422309). In at least one individual the data is consistent with being in trans (on the opposite chromosome) from a pathogenic variant. It has also been observed to segregate with disease in related individuals. ClinVar contains an entry for this variant (Variation ID: 397523). An algorithm developed to predict the effect of missense changes on protein structure and function (PolyPhen-2) suggests that this variant is likely to be disruptive. For these reasons, this variant has been classified as Pathogenic.

Natera, Inc.
Classification: Pathogenic for Gitelman syndrome. Last evaluated: 2025-09-16. Review status: criteria provided, single submitter. Criteria: Natera Variant Classification Schema (03/2026). Collection method: clinical testing. Allele origin: germline.
Comment: The c.1924C>G variant in SLC12A3 is a missense variant predicted to cause substitution of arginine to glycine at amino acid 642. This variant is rare in the general population with a frequency below the threshold expected for the associated phenotype(s). This variant has been observed in one or more individuals affected with the associated recessive disease, as either homozygous or compound heterozygous with a second variant (PMID: 29398133). Computational prediction algorithms indicate this variant is likely to affect gene or protein function. Given the available evidence, this variant is classified as Pathogenic.

GeneDx
Classification: Pathogenic. Last evaluated: 2025-08-05. Review status: criteria provided, single submitter. Criteria: GeneDx Variant Classification Process June 2021. Collection method: clinical testing. Allele origin: germline. Affected: yes.
Comment: In silico analysis supports that this missense variant has a deleterious effect on protein structure/function; This variant is associated with the following publications: (PMID: 31028937, 22009145, 11168953, 20675610, 25422309, 11408395, 32397528, 33542107, 34604727, 34768847, 36302598, 35785516, 29398133, 34373523, 35894287, 34532947, 35628451, 12112667)

Women's Health and Genetics/Laboratory Corporation of America, LabCorp
Classification: Pathogenic for Familial hypokalemia-hypomagnesemia. Last evaluated: 2025-03-19. Review status: criteria provided, single submitter. Criteria: LabCorp Variant Classification Summary - May 2015. Collection method: clinical testing. Allele origin: germline.
Comment: Variant summary: SLC12A3 c.1924C>G (p.Arg642Gly) results in a non-conservative amino acid change in the encoded protein sequence. Five of five in-silico tools predict a damaging effect of the variant on protein function. Consensus agreement among computation tools predict no significant impact on normal splicing. However, these predictions have yet to be confirmed by functional studies. The variant allele was found at a frequency of 2.5e-05 in 158898 control chromosomes (gnomAD). c.1924C>G has been reported in the literature in multiple individuals affected with Familial Hypokalemia-Hypomagnesemia (Cruz_2001). These data indicate that the variant is very likely to be associated with disease. To our knowledge, no experimental evidence demonstrating an impact on protein function has been reported. The following publications have been ascertained in the context of this evaluation (PMID: 29398133, 11408395, 11168953). ClinVar contains an entry for this variant (Variation ID: 397523). Based on the evidence outlined above, the variant was classified as pathogenic.

CeGaT Center for Human Genetics Tuebingen
Classification: Pathogenic. Last evaluated: 2024-11-01. Review status: criteria provided, single submitter. Criteria: CeGaT Center For Human Genetics Tuebingen Variant Classification Criteria Version 2. Collection method: clinical testing. Allele origin: germline. Affected: yes. Observed: 1 variant allele.
Comment: SLC12A3: PM3:Very Strong, PM2, PM5, PP3, PP4

Blueprint Genetics
Classification: Pathogenic for SLC12A3-related disorders. Last evaluated: 2024-10-17. Review status: criteria provided, single submitter. Criteria: ACMG Guidelines, 2015. Collection method: clinical testing. Allele origin: germline. Affected: yes. Observed: 5 variant alleles.

European Hospital Georges Pompidou Genetics Department, Assistance Publique - Hôpitaux de Paris AP-HP
Classification: Pathogenic for Familial hypokalemia-hypomagnesemia. Last evaluated: 2022-04-27. Review status: criteria provided, single submitter. Criteria: ACMG Guidelines, 2015. Collection method: clinical testing. Allele origin: germline. Affected: yes.
Comment: ACMG criteria used:PS4, PM1, PM2, PM3, PM5, PP3, PP5

Fulgent Genetics
Classification: Pathogenic for Familial hypokalemia-hypomagnesemia. Last evaluated: 2021-12-22. Review status: criteria provided, single submitter. Criteria: ACMG Guidelines, 2015. Collection method: clinical testing. Allele origin: unknown.

Genome-Nilou Lab
Classification: Pathogenic for Familial hypokalemia-hypomagnesemia. Last evaluated: 2021-07-15. Review status: criteria provided, single submitter. Criteria: ACMG Guidelines, 2015. Collection method: clinical testing. Allele origin: germline. Affected: no.

Center of Genomic medicine, Geneva, University Hospital of Geneva
Classification: Pathogenic for Familial hypokalemia-hypomagnesemia. Last evaluated: 2014-12-15. Review status: criteria provided, single submitter. Criteria: MacArthur et al. (Nature 2014). Collection method: clinical testing. Allele origin: germline. Affected: yes.

Neuberg Centre For Genomic Medicine, NCGM
Classification: Likely pathogenic for Familial hypokalemia-hypomagnesemia. Review status: criteria provided, single submitter. Criteria: ACMG Guidelines, 2015. Collection method: clinical testing. Allele origin: germline. Affected: yes.
Comment: The missense variant p.R642G in SLC12A3 (NM_000339.3) has been previously reported in affected patients (Syren ML et al; Corbetta S et al). The variant was submitted to ClinVar as Pathogenic. The p.R642G variant is observed in 4/62,126 (0.0064%) alleles from individuals of European (Non-Finnish) background in gnomAD Exomes and is novel (not in any individuals) in 1000 Genomes. The p.R642G missense variant is predicted to be damaging by both SIFT and PolyPhen2. The arginine residue at codon 642 of SLC12A3 is conserved in all mammalian species. The nucleotide c.1924 in SLC12A3 is predicted conserved by GERP++ and PhyloP across 100 vertebrates. In the absence of functional studies this variant has been classified as Likely Pathogenic.

Literature cited by the submitters: PubMed 11408395 (cited by Labcorp Genetics (formerly Invitae), Labcorp and Women's Health and Genetics/Laboratory Corporation of America, LabCorp); PubMed 12112667 (cited by Labcorp Genetics (formerly Invitae), Labcorp); PubMed 25422309 (cited by Labcorp Genetics (formerly Invitae), Labcorp); PubMed 29398133 (cited by Natera, Inc. and Women's Health and Genetics/Laboratory Corporation of America, LabCorp); PubMed 11168953 (cited by Women's Health and Genetics/Laboratory Corporation of America, LabCorp).